The following is an entry in ClinVar:

NM_001142800.2(EYS):c.571dup (p.Ser191fs)

Gene: EYS (EGF-like photoreceptor maintenance factor; minus strand). Cytogenetic location: 6q12.
Variant type: Duplication.
Coding change: c.571dup on transcript NM_001142800.2 (MANE Select); coding-DNA position 571, one base duplicated (A; older notation c.571dupA).
Protein change: p.Ser191fs; shifts the reading frame from serine 191.
Molecular consequence: frameshift variant.
Genome position (GRCh38, 1-based): chr6:65,494,840, T duplicated on the plus strand (A on the coding strand, the reverse complement: EYS is on the minus strand). VCF-style (leftmost placement, unchanged base first): chr6-65494839-C-CT. GRCh37 (hg19) VCF-style: chr6-66204732-C-CT.
Other names: c.571dup, p.Ser191fs (NM_001142801.2, NM_001292009.2, NM_198283.2); short protein forms S191fs.
Identifiers: ClinVar variation 1351447 (VCV001351447.7), dbSNP rs2127271080, ClinGen allele CA2573141047.
Genomic context (GRCh38, chr6:65,494,839, plus strand): 5'-CAGTATTTTCCAGAAAATGGAGGCTGGCAATGGCAGCTATATGTCTTGCTCCAAGCTTCA[C>CT]TAAGACATTTACCATGACCAGAGCAAAATTCTGAACTCAGAGATTCCTGGCAGAACTGCT-3'

ClinVar aggregate classification (germline): Pathogenic. Review status: criteria provided, multiple submitters, no conflicts (2 of 4 stars). 2 submissions from 2 submitters: Pathogenic (2). Last evaluated 2026-05-27.

Conditions:
Retinitis pigmentosa 25 (RP25). Identifiers: Orphanet 791, MedGen C1864446, MONDO:0011272, OMIM 602772.

Submissions (2):

Myriad Genetics, Inc.
Classification: Pathogenic for Retinitis pigmentosa 25. Last evaluated: 2026-05-27. Review status: criteria provided, single submitter. Criteria: Myriad Autosomal Dominant, Autosomal Recessive and X-Linked Classification Criteria (2023). Collection method: clinical testing. Allele origin: unknown.
Comment: NM_001142800.1(EYS):c.571dupA(S191Kfs*2) is a frameshift variant classified as pathogenic in the context of retinitis pigmentosa, EYS-related. S191Kfs*2 has not been observed in cases with relevant disease. Relevant functional assessments of this variant are not available in the literature. S191Kfs*2 has not been observed in referenced population frequency databases. In summary, NM_001142800.1(EYS):c.571dupA(S191Kfs*2) is a frameshift variant in a gene where loss of function is a known mechanism of disease and is predicted to disrupt protein function. Please note: this variant was assessed in the context of healthy population screening.

Labcorp Genetics (formerly Invitae), Labcorp
Classification: Pathogenic. Last evaluated: 2021-01-14. Review status: criteria provided, single submitter. Criteria: Invitae Variant Classification Sherloc (09022015). Collection method: clinical testing. Allele origin: germline.
Comment: This variant is not present in population databases (ExAC no frequency). For these reasons, this variant has been classified as Pathogenic. This variant has not been reported in the literature in individuals with EYS-related conditions. This sequence change creates a premature translational stop signal (p.Ser191Lysfs*2) in the EYS gene. It is expected to result in an absent or disrupted protein product. Loss-of-function variants in EYS are known to be pathogenic (PMID: 18836446, 20333770).

Literature cited by the submitters: PubMed 18836446 (cited by Labcorp Genetics (formerly Invitae), Labcorp); PubMed 20333770 (cited by Labcorp Genetics (formerly Invitae), Labcorp).